The following is an entry in ClinVar:

NM_033380.3(COL4A5):c.1517-1G>A

Gene: COL4A5 (collagen type IV alpha 5 chain; plus strand). Cytogenetic location: Xq22.3.
Variant type: single nucleotide variant.
Coding change: c.1517-1G>A on transcript NM_033380.3 (MANE Select); the canonical splice acceptor site of the intron before coding-DNA position 1517, G replaced by A.
Molecular consequence: splice acceptor variant.
Genome position (GRCh38, 1-based): chrX:108,596,997, G>A. VCF-style: chrX-108596997-G-A. GRCh37 (hg19) VCF-style: chrX-107840227-G-A.
Other names: c.1517-1G>A (NM_000495.5).
Identifiers: ClinVar variation 852912 (VCV000852912.11), dbSNP rs104886332, ClinGen allele CA413845038.
Genomic context (GRCh38, chrX:108,596,997, plus strand): 5'-TTCAAGCTCAAAGCTTACGTTATTGTGTGTGTGTGTGTTTGTTTGTGTGTGTGTGTGTTA[G>A]GATCTCTTGGTTTCCCTGGACAGAAAGGGGAAAAAGGACAAGCTGGTGCAACTGGTCCCA-3'

ClinVar aggregate classification (germline): Pathogenic (1 of 4 stars; one submission).

Allele frequency attached by ClinVar (database versions not stated): gnomAD exomes below 0.00001.
gnomAD v4.1: 1 of 1,177,540 alleles (0.000085%); highest among the groups gnomAD compares: Non-Finnish European, 0.00011%; no homozygotes.

Submission:

Labcorp Genetics (formerly Invitae), Labcorp
Classification: Pathogenic. Last evaluated: 2023-03-26. Review status: criteria provided, single submitter. Criteria: Invitae Variant Classification Sherloc (09022015). Collection method: clinical testing. Allele origin: germline.
Comment: For these reasons, this variant has been classified as Pathogenic. Algorithms developed to predict the effect of sequence changes on RNA splicing suggest that this variant may disrupt the consensus splice site. ClinVar contains an entry for this variant (Variation ID: 852912). Disruption of this splice site has been observed in individual(s) with Alport's syndrome (PMID: 19065523). It has also been observed to segregate with disease in related individuals. This variant is not present in population databases (gnomAD no frequency). This sequence change affects an acceptor splice site in intron 22 of the COL4A5 gene. It is expected to disrupt RNA splicing. Variants that disrupt the donor or acceptor splice site typically lead to a loss of protein function (PMID: 16199547), and loss-of-function variants in COL4A5 are known to be pathogenic (PMID: 9195222, 10752524, 14514738, 24854265, 26809805).

Literature cited by the submitters: PubMed 19065523; PubMed 16199547; PubMed 9195222; PubMed 10752524; PubMed 14514738; PubMed 24854265; PubMed 26809805.